The following is an entry in ClinVar:

NM_001267550.2(TTN):c.26201-5A>T

Gene: TTN (titin; minus strand). Cytogenetic location: 2q31.2.
Variant type: single nucleotide variant.
Coding change: c.26201-5A>T on transcript NM_001267550.2 (MANE Select); 5 bases into the intron before coding-DNA position 26201, A replaced by T.
Molecular consequence: intron variant.
Genome position (GRCh38, 1-based): chr2:178,714,578, T>A on the plus strand (A>T on the coding strand, the complement: TTN is on the minus strand). VCF-style: chr2-178714578-T-A. GRCh37 (hg19) VCF-style: chr2-179579305-T-A.
Other names: c.13282+23504A>T (NM_003319.4); c.13858+23504A>T (NM_133437.4); c.13657+23504A>T (NM_133432.3); c.22469-5A>T (NM_133378.4); c.25250-5A>T (NM_001256850.1).
Identifiers: ClinVar variation 704794 (VCV000704794.12), dbSNP rs748787500, ClinGen allele CA2000053.

ClinVar aggregate classification (germline): Likely benign. Review status: criteria provided, multiple submitters, no conflicts (2 of 4 stars). 3 submissions from 3 submitters: Likely benign (3). Last evaluated 2026-01-28.

Conditions:
TTN-related disorder. Also called: TTN-related condition; TTN-related disease; TTN-related disorders.
Autosomal recessive limb-girdle muscular dystrophy type 2J (LGMDR10). Also called: Limb-girdle muscular dystrophy, type 2J; MUSCULAR DYSTROPHY, LIMB-GIRDLE, AUTOSOMAL RECESSIVE 10. Identifiers: Orphanet 140922, MedGen C1837342, MONDO:0012127, OMIM 608807.
Dilated cardiomyopathy 1G (CMD1G). Identifiers: Orphanet 154, MedGen C1858763, MONDO:0011400, OMIM 604145.

Allele frequency attached by ClinVar (database versions not stated): gnomAD 0.00004 and 0.00005; TOPMed 0.00008; ExAC 0.00010; gnomAD exomes 0.00015.
gnomAD v4.1: 48 of 1,582,720 alleles (0.003%); highest among the groups gnomAD compares: Admixed American, 0.085%; no homozygotes.

Submissions (3):

Labcorp Genetics (formerly Invitae), Labcorp
Classification: Likely benign for Dilated cardiomyopathy 1G; Autosomal recessive limb-girdle muscular dystrophy type 2J. Last evaluated: 2026-01-28. Review status: criteria provided, single submitter. Criteria: Invitae Variant Classification Sherloc (09022015). Collection method: clinical testing. Allele origin: germline.

PreventionGenetics, part of Exact Sciences
Classification: Likely benign for TTN-related condition. Last evaluated: 2025-12-23. Review status: criteria provided, single submitter. Criteria: ACMG Guidelines, 2015. Collection method: clinical testing. Allele origin: germline.
Comment: This variant is classified as likely benign based on ACMG/AMP sequence variant interpretation guidelines (Richards et al. 2015 PMID: 25741868, with internal and published modifications).

GeneDx
Classification: Likely benign. Last evaluated: 2019-11-08. Review status: criteria provided, single submitter. Criteria: GeneDx Variant Classification Process June 2021. Collection method: clinical testing. Allele origin: germline. Affected: yes.